The following is an entry in ClinVar:

ClinVar aggregate classification (germline): Benign. Review status: criteria provided, multiple submitters, no conflicts (2 of 4 stars). 11 submissions from 11 submitters: Benign (11). Last evaluated 2026-01-17.

Conditions:
Megacystis-microcolon-intestinal hypoperistalsis syndrome 1. Identifiers: MedGen C5542316, MONDO:0100354, OMIM 249210.
Aortic aneurysm, familial thoracic 7 (AAT7). Also called: AORTIC DISSECTION, FAMILIAL, WITH OR WITHOUT AORTIC ANEURYSM. Identifiers: MedGen C3151077, MONDO:0013418, OMIM 613780.
Familial thoracic aortic aneurysm and aortic dissection (TAAD). Also called: Thoracic aortic aneurysms and dissections. Identifiers: Orphanet 91387, MedGen C4707243, MONDO:0019625.

Allele frequency attached by ClinVar (database versions not stated): gnomAD 0.00016 and 0.00053; ESP Exome Variant Server 0.00023; TOPMed 0.00025; gnomAD exomes 0.00085 and 0.00164; ExAC 0.00177; 1000 Genomes Project 30x 0.00219; 1000 Genomes Project 0.00240.
gnomAD v4.1: 1,335 of 1,613,650 alleles (0.083%); highest among the groups gnomAD compares: South Asian, 1.2%; 19 homozygotes.

Submissions (11):

Labcorp Genetics (formerly Invitae), Labcorp
Classification: Benign for Aortic aneurysm, familial thoracic 7. Last evaluated: 2026-01-17. Review status: criteria provided, single submitter. Criteria: Invitae Variant Classification Sherloc (09022015). Collection method: clinical testing. Allele origin: germline.

ARUP Laboratories, Molecular Genetics and Genomics, ARUP Laboratories
Classification: Benign. Last evaluated: 2025-05-29. Review status: criteria provided, single submitter. Criteria: ARUP Molecular Germline Variant Investigation Process 2024. Collection method: clinical testing. Allele origin: germline.

CeGaT Center for Human Genetics Tuebingen
Classification: Benign. Last evaluated: 2024-06-01. Review status: criteria provided, single submitter. Criteria: CeGaT Center For Human Genetics Tuebingen Variant Classification Criteria Version 2. Collection method: clinical testing. Allele origin: germline. Affected: yes. Observed: 1 variant allele.
Comment: MYLK: BP4, BP7, BS1, BS2

Fulgent Genetics
Classification: Benign for Megacystis-microcolon-intestinal hypoperistalsis syndrome 1; Aortic aneurysm, familial thoracic 7. Last evaluated: 2021-07-28. Review status: criteria provided, single submitter. Criteria: ACMG Guidelines, 2015. Collection method: clinical testing. Allele origin: unknown.

Women's Health and Genetics/Laboratory Corporation of America, LabCorp
Classification: Benign. Last evaluated: 2021-04-19. Review status: criteria provided, single submitter. Criteria: LabCorp Variant Classification Summary - May 2015. Collection method: clinical testing. Allele origin: germline.

Ambry Genetics
Classification: Benign for Familial thoracic aortic aneurysm and aortic dissection. Last evaluated: 2018-06-11. Review status: criteria provided, single submitter. Criteria: Ambry Variant Classification Scheme 2023. Collection method: clinical testing. Allele origin: germline.

CHEO Genetics Diagnostic Laboratory, Children's Hospital of Eastern Ontario
Classification: Benign for Familial thoracic aortic aneurysm and aortic dissection. Last evaluated: 2017-11-02. Review status: criteria provided, single submitter. Criteria: ACMG Guidelines, 2015. Collection method: clinical testing. Allele origin: germline.

GeneDx
Classification: Benign. Last evaluated: 2017-07-10. Review status: criteria provided, single submitter. Criteria: GeneDx Variant Classification (06012015). Collection method: clinical testing. Allele origin: germline. Affected: yes.
Comment: This variant is considered likely benign or benign based on one or more of the following criteria: it is a conservative change, it occurs at a poorly conserved position in the protein, it is predicted to be benign by multiple in silico algorithms, and/or has population frequency not consistent with disease.

Laboratory for Molecular Medicine, Mass General Brigham Personalized Medicine
Classification: Benign. Last evaluated: 2015-09-16. Review status: criteria provided, single submitter. Criteria: LMM Criteria. Collection method: clinical testing. Allele origin: germline. Observed: 1 variant allele.
Comment: p.Pro1025Pro in exon 18 of MYLK: This variant is not expected to have clinical s ignificance because it does not alter an amino acid residue and is not located w ithin the splice consensus sequence. It has been identified in 1.1% (187/16510) of South Asian chromosomes including 4 homozygous individuals by the Exome Aggre gation Consortium (ExAC; dbSNP rs144885184).

Breakthrough Genomics
Classification: Benign. Review status: criteria provided, single submitter. Criteria: ACMG Guidelines, 2015. Collection method: not provided. Allele origin: germline. Inheritance: Autosomal recessive inheritance. Affected: yes.

PreventionGenetics, part of Exact Sciences
Classification: Benign. Review status: criteria provided, single submitter. Criteria: ACMG Guidelines, 2015. Collection method: clinical testing. Allele origin: germline.

NM_053025.4(MYLK):c.3075C>T (p.Pro1025=)

Gene: MYLK (myosin light chain kinase; minus strand). Cytogenetic location: 3q21.1.
Variant type: single nucleotide variant.
Coding change: c.3075C>T on transcript NM_053025.4 (MANE Select); coding-DNA position 3075, C replaced by T.
Protein change: p.Pro1025=; no amino-acid change (proline 1025 retained).
Molecular consequence: synonymous variant.
Genome position (GRCh38, 1-based): chr3:123,700,393, G>A on the plus strand (C>T on the coding strand, the complement: MYLK is on the minus strand). VCF-style: chr3-123700393-G-A. GRCh37 (hg19) VCF-style: chr3-123419240-G-A.
Other names: c.2547C>T, p.Pro849= (NM_001321309.2); c.2868C>T, p.Pro956= (NM_053026.4, NM_053028.4); c.3075C>T, p.Pro1025= (NM_053027.4).
Identifiers: ClinVar variation 226760 (VCV000226760.50), dbSNP rs144885184, ClinGen allele CA069292.